The following is an entry in ClinVar:

ClinVar aggregate classification (germline): Conflicting classifications of pathogenicity. Review status: criteria provided, conflicting classifications (1 of 4 stars). 2 submissions from 2 submitters: Uncertain significance (1); Likely benign (1). Last evaluated 2026-07-22.

Conditions:
Familial adenomatous polyposis 1 (FAP1). Also called: FAMILIAL ADENOMATOUS POLYPOSIS 1, ATTENUATED; POLYPOSIS, ADENOMATOUS INTESTINAL. Identifiers: MedGen C2713442, MONDO:0021056, OMIM 175100. Disease mechanism: loss of function.
APC-related disorder. Also called: APC-related condition.

Allele frequency attached by ClinVar (database versions not stated): TOPMed 0.00001.
gnomAD v4.1: 17 of 464,828 alleles (0.0037%); highest among the groups gnomAD compares: South Asian, 0.032%; 1 homozygote.

Submissions (2):

PreventionGenetics, part of Exact Sciences
Classification: Likely benign for APC-related condition. Last evaluated: 2026-07-22. Review status: criteria provided, single submitter. Criteria: ACMG Guidelines, 2015. Collection method: clinical testing. Allele origin: germline.
Comment: This variant is classified as likely benign based on ACMG/AMP sequence variant interpretation guidelines (Richards et al. 2015 PMID: 25741868, with internal and published modifications).

Labcorp Genetics (formerly Invitae), Labcorp
Classification: Uncertain significance for Familial adenomatous polyposis 1. Last evaluated: 2024-01-31. Review status: criteria provided, single submitter. Criteria: Invitae Variant Classification Sherloc (09022015). Collection method: clinical testing. Allele origin: germline.
Comment: This variant occurs in a non-coding region of the APC gene. It does not change the encoded amino acid sequence of the APC protein. This variant is not present in population databases (gnomAD no frequency). This variant has not been reported in the literature in individuals affected with APC-related conditions. Experimental studies and prediction algorithms are not available or were not evaluated, and the functional significance of this variant is currently unknown. In summary, the available evidence is currently insufficient to determine the role of this variant in disease. Therefore, it has been classified as a Variant of Uncertain Significance.

NM_001127511.3(APC):c.-203C>A

Genes: APC (APC regulator of Wnt signaling pathway; plus strand), LOC129994371 (ATAC-STARR-seq lymphoblastoid active region 22910; plus strand). Cytogenetic location: 5q22.2.
Variant type: single nucleotide variant.
Coding change: c.-203C>A on transcript NM_001127511.3; 203 bases upstream of the start codon, C replaced by A.
Molecular consequence: 5 prime UTR variant. On other transcripts: non-coding transcript variant (2).
Genome position (GRCh38, 1-based): chr5:112,707,515, C>A. VCF-style: chr5-112707515-C-A. GRCh37 (hg19) VCF-style: chr5-112043212-C-A.
Other names: c.-386C>A (NM_001354895.2, NM_001407447.1, NM_001407452.1 and 3 more transcripts); c.-203C>A (NM_001354897.2, NM_001354902.2, NM_001407446.1); c.-153C>A (NM_001407448.1, NM_001407450.1, NM_001407457.1 and 1 more transcripts); c.-177C>A (NM_001407453.1); c.-1421C>A (NM_001407470.1, NM_001407472.1).
Identifiers: ClinVar variation 1059105 (VCV001059105.7), dbSNP rs1561393114, ClinGen allele CA445747842.